The following is an entry in ClinVar:

NM_001165963.4(SCN1A):c.1567T>C (p.Ser523Pro)

Gene: SCN1A (sodium voltage-gated channel alpha subunit 1; minus strand). Cytogenetic location: 2q24.3.
Variant type: single nucleotide variant.
Coding change: c.1567T>C on transcript NM_001165963.4 (MANE Select); coding-DNA position 1567, T replaced by C.
Protein change: p.Ser523Pro; replaces serine 523 with proline.
Molecular consequence: missense variant. On other transcripts: 5 prime UTR variant (1), non-coding transcript variant (1).
Genome position (GRCh38, 1-based): chr2:166,045,138, A>G on the plus strand (T>C on the coding strand, the complement: SCN1A is on the minus strand). VCF-style: chr2-166045138-A-G. GRCh37 (hg19) VCF-style: chr2-166901648-A-G.
Other names: c.1567T>C (NM_001165963.1); c.1567T>C, p.Ser523Pro (NM_001165964.3, NM_001202435.3, NM_001353948.2 and 7 more transcripts); c.1564T>C, p.Ser522Pro (NM_001353954.2, NM_001353955.2, NM_001353960.2); c.-859T>C (NM_001353961.2); short protein forms S523P, S522P.
Identifiers: ClinVar variation 2738682 (VCV002738682.5), dbSNP rs1490675512, ClinGen allele CA349069319.

ClinVar aggregate classification (germline): Uncertain significance. Review status: criteria provided, multiple submitters, no conflicts (2 of 4 stars). 3 submissions from 3 submitters: Uncertain significance (3). Last evaluated 2025-05-28.

Conditions:
Inborn genetic diseases. Identifiers: MedGen C0950123, MeSH D030342.
Early-infantile DEE. Also called: Early infantile epileptic encephalopathy with suppression bursts; Early infantile epileptic encephalopathy; Ohtahara syndrome. Identifiers: Orphanet 1934, MedGen C0393706, MONDO:0800491.

Allele frequency attached by ClinVar (database versions not stated): gnomAD exomes below 0.00001.
gnomAD v4.1: 2 of 1,614,104 alleles (0.00012%); highest among the groups gnomAD compares: Non-Finnish European, 0.00017%; no homozygotes.

Submissions (3):

Ambry Genetics
Classification: Uncertain significance for Inborn genetic diseases. Last evaluated: 2025-05-28. Review status: criteria provided, single submitter. Criteria: Ambry Variant Classification Scheme 2023. Collection method: clinical testing. Allele origin: germline.

GeneDx
Classification: Uncertain significance. Last evaluated: 2025-02-09. Review status: criteria provided, single submitter. Criteria: GeneDx Variant Classification Process June 2021. Collection method: clinical testing. Allele origin: germline. Affected: yes.
Comment: Not observed at significant frequency in large population cohorts (gnomAD); In silico analysis supports that this missense variant has a deleterious effect on protein structure/function; Has not been previously published as pathogenic or benign to our knowledge; This substitution is predicted to be within the cytoplasmic loop between the first and second homologous domains

Labcorp Genetics (formerly Invitae), Labcorp
Classification: Uncertain significance for Early-infantile DEE. Last evaluated: 2023-08-03. Review status: criteria provided, single submitter. Criteria: Invitae Variant Classification Sherloc (09022015). Collection method: clinical testing. Allele origin: germline.
Comment: This variant is not present in population databases (gnomAD no frequency). This sequence change replaces serine, which is neutral and polar, with proline, which is neutral and non-polar, at codon 523 of the SCN1A protein (p.Ser523Pro). This variant has not been reported in the literature in individuals affected with SCN1A-related conditions. In summary, the available evidence is currently insufficient to determine the role of this variant in disease. Therefore, it has been classified as a Variant of Uncertain Significance. Advanced modeling of protein sequence and biophysical properties (such as structural, functional, and spatial information, amino acid conservation, physicochemical variation, residue mobility, and thermodynamic stability) performed at Invitae indicates that this missense variant is expected to disrupt SCN1A protein function.